The following is an entry in ClinVar:

ClinVar aggregate classification (germline): Likely benign (1 of 4 stars; one submission).

Allele frequency attached by ClinVar (database versions not stated): gnomAD 0.00001; TOPMed 0.00001; gnomAD exomes 0.00002.
gnomAD v4.1: 25 of 1,576,450 alleles (0.0016%); highest among the groups gnomAD compares: East Asian, 0.0023%; no homozygotes.

Submission:

CeGaT Center for Human Genetics Tuebingen
Classification: Likely benign. Last evaluated: 2023-05-01. Review status: criteria provided, single submitter. Criteria: CeGaT Center For Human Genetics Tuebingen Variant Classification Criteria Version 2. Collection method: clinical testing. Allele origin: germline. Affected: yes. Observed: 1 variant allele.
Comment: ACTG2: BP4, BP7

NM_001615.4(ACTG2):c.615T>G (p.Ala205=)

Gene: ACTG2 (actin gamma 2, smooth muscle; plus strand). Cytogenetic location: 2p13.1.
Variant type: single nucleotide variant.
Coding change: c.615T>G on transcript NM_001615.4 (MANE Select); coding-DNA position 615, T replaced by G.
Protein change: p.Ala205=; no amino-acid change (alanine 205 retained).
Molecular consequence: synonymous variant.
Genome position (GRCh38, 1-based): chr2:73,914,681, T>G. VCF-style: chr2-73914681-T-G. GRCh37 (hg19) VCF-style: chr2-74141808-T-G.
Other names: c.486T>G, p.Ala162= (NM_001199893.2).
Identifiers: ClinVar variation 2651032 (VCV002651032.24), dbSNP rs1680222223, ClinGen allele CA426797842.